The following is an entry in ClinVar:

ClinVar aggregate classification (germline): Likely benign. Review status: criteria provided, multiple submitters, no conflicts (2 of 4 stars). 2 submissions from 2 submitters: Likely benign (2). Last evaluated 2024-11-19.

Conditions:
WDR26-related disorder. Also called: WDR26-related condition.

gnomAD v4.1: 174 of 1,613,908 alleles (0.011%); highest among the groups gnomAD compares: South Asian, 0.18%; 2 homozygotes.

Submissions (2):

PreventionGenetics, part of Exact Sciences
Classification: Likely benign for WDR26-related condition. Last evaluated: 2024-11-19. Review status: criteria provided, single submitter. Criteria: ACMG Guidelines, 2015. Collection method: clinical testing. Allele origin: germline.
Comment: This variant is classified as likely benign based on ACMG/AMP sequence variant interpretation guidelines (Richards et al. 2015 PMID: 25741868, with internal and published modifications).

Blueprint Genetics
Classification: Likely benign. Last evaluated: 2024-10-29. Review status: criteria provided, single submitter. Criteria: ACMG Guidelines, 2015. Collection method: clinical testing. Allele origin: germline.

NM_001379403.1(WDR26):c.1707G>A (p.Gln569=)

Gene: WDR26 (WD repeat domain 26; minus strand). Cytogenetic location: 1q42.12.
Variant type: single nucleotide variant.
Coding change: c.1707G>A on transcript NM_001379403.1 (MANE Select); coding-DNA position 1707, G replaced by A.
Protein change: p.Gln569=; no amino-acid change (glutamine 569 retained).
Molecular consequence: synonymous variant.
Genome position (GRCh38, 1-based): chr1:224,400,962, C>T on the plus strand (G>A on the coding strand, the complement: WDR26 is on the minus strand). VCF-style: chr1-224400962-C-T. GRCh37 (hg19) VCF-style: chr1-224588664-C-T.
Other names: c.1359G>A, p.Gln453= (NM_001115113.3); c.1407G>A, p.Gln469= (NM_025160.7); c.1407G>A (NM_025160.6).
Identifiers: ClinVar variation 4941216 (VCV004941216.2).